The following is an entry in ClinVar:

ClinVar aggregate classification (germline): Uncertain significance (1 of 4 stars; one submission).

Conditions:
Inborn genetic diseases. Identifiers: MedGen C0950123, MeSH D030342.

Submission:

Ambry Genetics
Classification: Uncertain significance for Inborn genetic diseases. Last evaluated: 2026-07-29. Review status: criteria provided, single submitter. Criteria: Ambry Variant Classification Scheme 2023. Collection method: clinical testing. Allele origin: germline.
Comment: The c.7147C>T (p.P2383S) alteration is located in exon 48 (coding exon 48) of the TRIO gene. This alteration results from a C to T substitution at nucleotide position 7147, causing the proline (P) at amino acid position 2383 to be replaced by a serine (S). Based on data from gnomAD, the T allele has an overall frequency of 0.002% (1/55824) total alleles studied. The highest observed frequency was 0.004% (1/24824) of European (non-Finnish) alleles. Based on insufficient or conflicting evidence, the clinical significance of this alteration remains unclear.

NM_007118.4(TRIO):c.7147C>T (p.Pro2383Ser)

Gene: TRIO (trio Rho guanine nucleotide exchange factor; plus strand). Cytogenetic location: 5p15.2.
Variant type: single nucleotide variant.
Coding change: c.7147C>T on transcript NM_007118.4 (MANE Select); coding-DNA position 7147, C replaced by T.
Protein change: p.Pro2383Ser; replaces proline 2383 with serine.
Molecular consequence: missense variant.
Genome position (GRCh38, 1-based): chr5:14,487,775, C>T. VCF-style: chr5-14487775-C-T. GRCh37 (hg19) VCF-style: chr5-14487884-C-T.
Other names: short protein forms P2383S.
Identifiers: ClinVar variation 5031118 (VCV005031118.1).